The following is an entry in ClinVar:

NM_024422.6(DSC2):c.2152G>T (p.Ala718Ser)

Gene: DSC2 (desmocollin 2; minus strand). Cytogenetic location: 18q12.1.
Variant type: single nucleotide variant.
Coding change: c.2152G>T on transcript NM_024422.6 (MANE Select); coding-DNA position 2152, G replaced by T.
Protein change: p.Ala718Ser; replaces alanine 718 with serine.
Molecular consequence: missense variant.
Genome position (GRCh38, 1-based): chr18:31,070,824, C>A on the plus strand (G>T on the coding strand, the complement: DSC2 is on the minus strand). VCF-style: chr18-31070824-C-A. GRCh37 (hg19) VCF-style: chr18-28650790-C-A.
Other names: c.1723G>T, p.Ala575Ser (NM_001406506.1, NM_001406507.1); c.2152G>T, p.Ala718Ser (NM_004949.5); short protein forms A718S, A575S.
Identifiers: ClinVar variation 2775173 (VCV002775173.3), dbSNP rs765017458, ClinGen allele CA035181.
Genomic context (GRCh38, chr18:31,070,824, plus strand): 5'-TTAGGTTCTGCTGGGCTAAATCATCAGGAATTACTTTTGGTTGTTTAGACGTCCCAGAAG[C>A]CCCACAGACCAGCGTAAACAGGATGCCTGGAGGAAGAAAGAAATATACTTGAGTTTATCA-3'
Protein context (NP_077740.1, residues 708-728): FCILFTLVCG[Ala718Ser]SGTSKQPKVI

ClinVar aggregate classification (germline): Uncertain significance. Review status: criteria provided, multiple submitters, no conflicts (2 of 4 stars). 2 submissions from 2 submitters: Uncertain significance (2). Last evaluated 2023-08-15.

Conditions:
Cardiomyopathy (CMYO). Also called: Cardiomyopathies. Identifiers: Orphanet 167848, MedGen C0878544, MONDO:0004994, HP:0001638. Inheritance: Various modes of inheritance.
Familial isolated arrhythmogenic right ventricular dysplasia. Identifiers: Orphanet 217656, MedGen C4274968, MONDO:0016342.

Allele frequency attached by ClinVar (database versions not stated): gnomAD exomes below 0.00001; ExAC 0.00001.
gnomAD v4.1: 2 of 1,613,764 alleles (0.00012%); highest among the groups gnomAD compares: South Asian, 0.0022%; no homozygotes.

Submissions (2):

All of Us Research Program, National Institutes of Health
Classification: Uncertain significance for Familial isolated arrhythmogenic right ventricular dysplasia. Last evaluated: 2023-08-15. Review status: criteria provided, single submitter. Criteria: ACMG Guidelines, 2015. Collection method: clinical testing. Allele origin: germline. Inheritance: Autosomal dominant inheritance. Observed: 1 variant allele, 1 heterozygote.
Comment: This missense variant replaces alanine with serine at codon 718 of the DSC2 protein. Computational prediction suggests that this variant may not impact protein structure and function (internally defined REVEL score threshold <= 0.5, PMID: 27666373). To our knowledge, functional studies have not been reported for this variant. This variant has not been reported in individuals affected with DSC2-related disorders in the literature. This variant has been identified in 1/251276 chromosomes in the general population by the Genome Aggregation Database (gnomAD). The available evidence is insufficient to determine the role of this variant in disease conclusively. Therefore, this variant is classified as a Variant of Uncertain Significance.

This study involves interpretation of variants in research participants for the purpose of population health screening. Participant phenotype was not available at the time of variant classification. Additional details can be found in publication PMID: 35346344, PMCID: PMC8962531

Color Diagnostics, LLC DBA Color Health
Classification: Uncertain significance for Cardiomyopathy. Last evaluated: 2023-08-01. Review status: criteria provided, single submitter. Criteria: ACMG Guidelines, 2015. Collection method: clinical testing. Allele origin: germline.
Comment: This missense variant replaces alanine with serine at codon 718 of the DSC2 protein. Computational prediction suggests that this variant may not impact protein structure and function (internally defined REVEL score threshold <= 0.5, PMID: 27666373). To our knowledge, functional studies have not been reported for this variant. This variant has not been reported in individuals affected with DSC2-related disorders in the literature. This variant has been identified in 1/251276 chromosomes in the general population by the Genome Aggregation Database (gnomAD). The available evidence is insufficient to determine the role of this variant in disease conclusively. Therefore, this variant is classified as a Variant of Uncertain Significance.